The following is an entry in ClinVar:

NM_001110556.2(FLNA):c.2642G>T (p.Gly881Val)

Gene: FLNA (filamin A; minus strand). Cytogenetic location: Xq28.
Variant type: single nucleotide variant.
Coding change: c.2642G>T on transcript NM_001110556.2 (MANE Select); coding-DNA position 2642, G replaced by T.
Protein change: p.Gly881Val; replaces glycine 881 with valine.
Molecular consequence: missense variant.
Genome position (GRCh38, 1-based): chrX:154,362,256, C>A on the plus strand (G>T on the coding strand, the complement: FLNA is on the minus strand). VCF-style: chrX-154362256-C-A. GRCh37 (hg19) VCF-style: chrX-153590624-C-A.
Other names: c.2642G>T, p.Gly881Val (NM_001456.4); short protein forms G881V.
Identifiers: ClinVar variation 5021917 (VCV005021917.1).
Genomic context (GRCh38, chrX:154,362,256, plus strand): 5'-CCTACCCTTGATGCCCCGCAACCTGCCATGGGGTACCTGTCCTCACCAGTGCGACTGAGG[C>A]CAGGGCCCTCGGCCTTCACCTTACTGGCGTCATGAGAGGGCTCCACCTTGACTCGGATGG-3'
Protein context (NP_001104026.1, residues 871-891): DASKVKAEGP[Gly881Val]LSRTGVELGK

ClinVar aggregate classification (germline): Uncertain significance (1 of 4 stars; one submission).

Conditions:
Familial thoracic aortic aneurysm and aortic dissection (TAAD). Also called: Thoracic aortic aneurysms and dissections. Identifiers: Orphanet 91387, MedGen C4707243, MONDO:0019625.

Submission:

Ambry Genetics
Classification: Uncertain significance for Familial thoracic aortic aneurysm and aortic dissection. Last evaluated: 2026-08-10. Review status: criteria provided, single submitter. Criteria: Ambry Variant Classification Scheme 2023. Collection method: clinical testing. Allele origin: germline.
Comment: The p.G881V variant (also known as c.2642G>T), located in coding exon 17 of the FLNA gene, results from a G to T substitution at nucleotide position 2642. The glycine at codon 881 is replaced by valine, an amino acid with dissimilar properties. This amino acid position is conserved. In addition, this alteration is predicted to be deleterious by in silico analysis. Based on the available evidence, the clinical significance of this variant remains unclear.